The following is an entry in ClinVar:

ClinVar aggregate classification (germline): Likely pathogenic (1 of 4 stars; one submission).

Submission:

Labcorp Genetics (formerly Invitae), Labcorp
Classification: Likely pathogenic. Last evaluated: 2020-03-31. Review status: criteria provided, single submitter. Criteria: Invitae Variant Classification Sherloc (09022015). Collection method: clinical testing. Allele origin: germline.
Comment: In summary, the currently available evidence indicates that the variant is pathogenic, but additional data are needed to prove that conclusively. Therefore, this variant has been classified as Likely Pathogenic. Donor and acceptor splice site variants typically lead to a loss of protein function (PMID: 16199547), and loss-of-function variants in ADGRV1 are known to be pathogenic (PMID: 19357117, 22135276, 22147658). Algorithms developed to predict the effect of sequence changes on RNA splicing suggest that this variant may disrupt the consensus splice site, but this prediction has not been confirmed by published transcriptional studies. This variant has not been reported in the literature in individuals with ADGRV1-related conditions. This variant is not present in population databases (ExAC no frequency). This sequence change affects an acceptor splice site in intron 63 of the ADGRV1 gene. It is expected to disrupt RNA splicing and likely results in an absent or disrupted protein product.

Literature cited by the submitters: PubMed 16199547; PubMed 19357117; PubMed 22135276; PubMed 22147658.

NM_032119.4(ADGRV1):c.12850-1G>T

Gene: ADGRV1 (adhesion G protein-coupled receptor V1; plus strand). Cytogenetic location: 5q14.3.
Variant type: single nucleotide variant.
Coding change: c.12850-1G>T on transcript NM_032119.4 (MANE Select); the canonical splice acceptor site of the intron before coding-DNA position 12850, G replaced by T.
Molecular consequence: splice acceptor variant.
Genome position (GRCh38, 1-based): chr5:90,778,864, G>T. VCF-style: chr5-90778864-G-T. GRCh37 (hg19) VCF-style: chr5-90074681-G-T.
Identifiers: ClinVar variation 955666 (VCV000955666.10), dbSNP rs1758546944, ClinGen allele CA360388847.
Genomic context (GRCh38, chr5:90,778,864, plus strand): 5'-CAGACAGTATTGTCTGGTAGATTAAACATCCAAATCAAATAAGAAAATGCATTTTGCATA[G>T]GTTAACATCACAATCATCCGTTCCAGTGGAGATTTTGGCCATGTGCGACTCTGGTACAAG-3'